The following is an entry in ClinVar:

ClinVar aggregate classification (germline): Likely benign. Review status: criteria provided, single submitter (1 of 4 stars). 2 submissions from 2 submitters: Likely benign (1). 1 of the submissions does not count toward it. Last evaluated 2023-06-05.

Conditions:
FREM2-related disorder. Also called: FREM2-related condition.

Allele frequency attached by ClinVar (database versions not stated): gnomAD 0.00001; TOPMed 0.00001.
gnomAD v4.1: 8 of 1,614,086 alleles (0.0005%); highest among the groups gnomAD compares: Non-Finnish European, 0.00068%; no homozygotes.

Submissions (2):

Labcorp Genetics (formerly Invitae), Labcorp
Classification: Likely benign. Last evaluated: 2023-06-05. Review status: criteria provided, single submitter. Criteria: Invitae Variant Classification Sherloc (09022015). Collection method: clinical testing. Allele origin: germline.

PreventionGenetics, part of Exact Sciences
Classification: Likely benign for FREM2-related condition. Last evaluated: 2021-02-01. Review status: no assertion criteria provided. Collection method: clinical testing. Allele origin: germline. Not counted in ClinVar's aggregate classification.
Comment: This variant is classified as likely benign based on ACMG/AMP sequence variant interpretation guidelines (Richards et al. 2015 PMID: 25741868, with internal and published modifications).

NM_207361.6(FREM2):c.4629C>T (p.Val1543=)

Gene: FREM2 (FRAS1 related extracellular matrix 2; plus strand). Cytogenetic location: 13q13.3.
Variant type: single nucleotide variant.
Coding change: c.4629C>T on transcript NM_207361.6 (MANE Select); coding-DNA position 4629, C replaced by T.
Protein change: p.Val1543=; no amino-acid change (valine 1543 retained).
Molecular consequence: synonymous variant.
Genome position (GRCh38, 1-based): chr13:38,691,973, C>T. VCF-style: chr13-38691973-C-T. GRCh37 (hg19) VCF-style: chr13-39266110-C-T.
Other names: c.4629C>T (NM_207361.5).
Identifiers: ClinVar variation 2775980 (VCV002775980.5), dbSNP rs1344742928, ClinGen allele CA483429075.